The following is an entry in ClinVar:

ClinVar aggregate classification (germline): Uncertain significance (1 of 4 stars; one submission).

Conditions:
Joubert syndrome 8 (JBTS8). Identifiers: Orphanet 475, MedGen C2676771, MONDO:0012855, OMIM 612291.

Allele frequency attached by ClinVar (database versions not stated): gnomAD exomes below 0.00001; TOPMed below 0.00001.
gnomAD v4.1: 1 of 1,609,266 alleles (0.000062%); highest among the groups gnomAD compares: Non-Finnish European, 0.000085%; no homozygotes.

Submission:

Labcorp Genetics (formerly Invitae), Labcorp
Classification: Uncertain significance for Joubert syndrome 8. Last evaluated: 2021-08-28. Review status: criteria provided, single submitter. Criteria: Invitae Variant Classification Sherloc (09022015). Collection method: clinical testing. Allele origin: germline.
Comment: This sequence change replaces arginine with threonine at codon 273 of the ARL13B protein (p.Arg273Thr). The arginine residue is weakly conserved and there is a moderate physicochemical difference between arginine and threonine. This variant is not present in population databases (ExAC no frequency). This variant has not been reported in the literature in individuals affected with ARL13B-related conditions. Algorithms developed to predict the effect of missense changes on protein structure and function are either unavailable or do not agree on the potential impact of this missense change (SIFT: "Deleterious"; PolyPhen-2: "Benign"; Align-GVGD: "Class C0"). In summary, the available evidence is currently insufficient to determine the role of this variant in disease. Therefore, it has been classified as a Variant of Uncertain Significance.

NM_001174150.2(ARL13B):c.818G>C (p.Arg273Thr)

Gene: ARL13B (ARF like GTPase 13B; plus strand). Cytogenetic location: 3q11.2.
Variant type: single nucleotide variant.
Coding change: c.818G>C on transcript NM_001174150.2 (MANE Select); coding-DNA position 818, G replaced by C.
Protein change: p.Arg273Thr; replaces arginine 273 with threonine.
Molecular consequence: missense variant. On other transcripts: non-coding transcript variant (2).
Genome position (GRCh38, 1-based): chr3:94,043,034, G>C. VCF-style: chr3-94043034-G-C. GRCh37 (hg19) VCF-style: chr3-93761878-G-C.
Other names: c.509G>C, p.Arg170Thr (NM_001174151.2); c.773G>C, p.Arg258Thr (NM_001321328.2); c.497G>C, p.Arg166Thr (NM_144996.4); c.818G>C, p.Arg273Thr (NM_182896.3); short protein forms R166T, R170T, R258T, R273T.
Identifiers: ClinVar variation 1010776 (VCV001010776.2), dbSNP rs1560009891, ClinGen allele CA353678841.
Genomic context (GRCh38, chr3:94,043,034, plus strand): 5'-AAACCATCATAGTAAAGATAATGTATTTTATTTTTTGTTAGAATGAAGGAAAACTTGAAA[G>C]AGAGAAAAAAAACCAAAAAATGGAGAAAGACAGTGATGGCTGCCACCTGAAACATAAAAT-3'
Protein context (NP_001167621.1, residues 263-283): VIIENEGKLE[Arg273Thr]EKKNQKMEKD